The following is an entry in ClinVar:

ClinVar aggregate classification (germline): Uncertain significance (1 of 4 stars; one submission).

Conditions:
Cardiac arrhythmia. Also called: Arrhythmia; Cardiac rhythm disease. Identifiers: MedGen C0003811, MONDO:0007263, HP:0011675.

Submission:

Color Diagnostics, LLC DBA Color Health
Classification: Uncertain significance for Cardiac arrhythmia. Last evaluated: 2025-09-04. Review status: criteria provided, single submitter. Criteria: ACMG Guidelines, 2015. Collection method: clinical testing. Allele origin: germline.
Comment: This variant results in the replacement of translation stop signal with arginine at codon 677 in the KCNQ1 protein. Translation read-through is expected to extend the length of the protein by 10 amino acids. To our knowledge, functional studies have not been reported for this variant. This variant has not been reported in individuals affected with KCNQ1-related disorders in the literature. This variant has not been identified in the general population by the Genome Aggregation Database (gnomAD). The available evidence is insufficient to determine the role of this variant in disease conclusively. Therefore, this variant is classified as a Variant of Uncertain Significance.

NM_000218.3(KCNQ1):c.2029T>A (p.Ter677Arg)

Genes: KCNQ1 (potassium voltage-gated channel subfamily Q member 1; plus strand), KCNQ1-AS1 (KCNQ1 antisense RNA 1; minus strand). Cytogenetic location: 11p15.4.
Variant type: single nucleotide variant.
Coding change: c.2029T>A on transcript NM_000218.3 (MANE Select); coding-DNA position 2029, T replaced by A.
Protein change: p.Ter677Arg.
Molecular consequence: stop lost.
Genome position (GRCh38, 1-based): chr11:2,848,001, T>A. VCF-style: chr11-2848001-T-A. GRCh37 (hg19) VCF-style: chr11-2869231-T-A.
Other names: c.1933T>A, p.Ter645Arg (NM_001406836.1); c.1759T>A, p.Ter587Arg (NM_001406837.1); c.1489T>A, p.Ter497Arg (NM_001406838.1); c.541T>A, p.Ter181Arg (NM_001406839.1); c.1648T>A, p.Ter550Arg (NM_181798.2).
Identifiers: ClinVar variation 4757933 (VCV004757933.1).